The following is an entry in ClinVar:

NM_006214.4(PHYH):c.539delinsGTCTCTTATACACATCTG (p.Tyr180fs)

Gene: PHYH (phytanoyl-CoA 2-hydroxylase; minus strand). Cytogenetic location: 10p13.
Variant type: Indel.
Coding change: c.539delinsGTCTCTTATACACATCTG on transcript NM_006214.4 (MANE Select); coding-DNA position 539, A replaced by GTCTCTTATACACATCTG.
Protein change: p.Tyr180fs; shifts the reading frame from tyrosine 180.
Molecular consequence: frameshift variant. On other transcripts: intron variant (1).
Genome position (GRCh38, 1-based): chr10:13,288,499, T replaced by CAGATGTGTATAAGAGAC on the plus strand (A replaced by GTCTCTTATACACATCTG on the coding strand, the reverse complement: PHYH is on the minus strand). VCF-style: chr10-13288499-T-CAGATGTGTATAAGAGAC. GRCh37 (hg19) VCF-style: chr10-13330499-T-CAGATGTGTATAAGAGAC.
Other names: c.239delinsGTCTCTTATACACATCTG, p.Tyr80fs (NM_001037537.2, NM_001323080.2); c.545delinsGTCTCTTATACACATCTG, p.Tyr182fs (NM_001323082.2); c.245delinsGTCTCTTATACACATCTG, p.Tyr82fs (NM_001323084.2); c.415-4660delinsGTCTCTTATACACATCTG (NM_001323083.2); short protein forms Y180fs, Y182fs, Y80fs, Y82fs.
Identifiers: ClinVar variation 5010719 (VCV005010719.1).

ClinVar aggregate classification (germline): Pathogenic (1 of 4 stars; one submission).

Conditions:
Refsum disease, classic. Also called: HEREDOPATHIA ATACTICA POLYNEURITIFORMIS; HMSN IV; PHYTANIC ACID OXIDASE DEFICIENCY; PHYH-Related Refsum Disease. Identifiers: Orphanet 773, MedGen C5780941, MONDO:1060256, OMIM 266500. Disease mechanism: loss of function.

Submission:

Myriad Genetics, Inc.
Classification: Pathogenic for Refsum disease, classic. Last evaluated: 2024-05-14. Review status: criteria provided, single submitter. Criteria: Myriad Autosomal Dominant, Autosomal Recessive and X-Linked Classification Criteria (2023). Collection method: clinical testing. Allele origin: unknown.
Comment: NM_006214.3(PHYH):c.539del1ins18(Y180Cfs*44) is expected to be pathogenic in the context of Refsum disease, PHYH-related. This variant is predicted to lead to an abnormal or absent protein product due to the creation of a premature termination codon in PHYH, a gene where loss-of-function variants are known to be pathogenic. Please note: this variant was assessed in the context of healthy population screening.